The following is an entry in ClinVar:

ClinVar aggregate classification (germline): Benign/Likely benign. Review status: criteria provided, multiple submitters, no conflicts (2 of 4 stars). 3 submissions from 3 submitters: Benign (1); Likely benign (1). 1 of the submissions does not count toward it. Last evaluated 2025-12-01.

Conditions:
KAT6B-related disorder. Also called: KAT6B-related disorders; KAT6B-related condition.
Genitopatellar syndrome (GTPTS). Also called: Genitopatellar syndrome (GPS); ABSENT PATELLAE, SCROTAL HYPOPLASIA, RENAL ANOMALIES, FACIAL DYSMORPHISM, AND MENTAL RETARDATION. Identifiers: Orphanet 85201, MedGen C1853566, MONDO:0011640, OMIM 606170.

Allele frequency attached by ClinVar (database versions not stated): gnomAD exomes 0.00002 and 0.00006; ExAC 0.00005; ESP Exome Variant Server 0.00015; TOPMed 0.00023; gnomAD 0.00027 and 0.00031.
gnomAD v4.1: 70 of 1,613,684 alleles (0.0043%); highest among the groups gnomAD compares: African/African-American, 0.077%; no homozygotes.

Submissions (3):

Labcorp Genetics (formerly Invitae), Labcorp
Classification: Likely benign for Genitopatellar syndrome. Last evaluated: 2025-12-01. Review status: criteria provided, single submitter. Criteria: Invitae Variant Classification Sherloc (09022015). Collection method: clinical testing. Allele origin: germline.

GeneDx
Classification: Benign. Last evaluated: 2021-01-19. Review status: criteria provided, single submitter. Criteria: GeneDx Variant Classification Process June 2021. Collection method: clinical testing. Allele origin: germline. Affected: yes.

PreventionGenetics, part of Exact Sciences
Classification: Likely benign for KAT6B-related condition. Last evaluated: 2022-11-18. Review status: no assertion criteria provided. Collection method: clinical testing. Allele origin: germline. Not counted in ClinVar's aggregate classification.
Comment: This variant is classified as likely benign based on ACMG/AMP sequence variant interpretation guidelines (Richards et al. 2015 PMID: 25741868, with internal and published modifications).

NM_012330.4(KAT6B):c.4141G>C (p.Asp1381His)

Gene: KAT6B (lysine acetyltransferase 6B; plus strand). Cytogenetic location: 10q22.2.
Variant type: single nucleotide variant.
Coding change: c.4141G>C on transcript NM_012330.4 (MANE Select); coding-DNA position 4141, G replaced by C.
Protein change: p.Asp1381His; replaces aspartic acid 1381 with histidine.
Molecular consequence: missense variant.
Genome position (GRCh38, 1-based): chr10:75,028,965, G>C. VCF-style: chr10-75028965-G-C. GRCh37 (hg19) VCF-style: chr10-76788723-G-C.
Other names: c.3592G>C, p.Asp1198His (NM_001256468.2, NM_001370138.1); c.3265G>C, p.Asp1089His (NM_001256469.2, NM_001370139.1, NM_001370140.1 and 2 more transcripts); c.3103G>C, p.Asp1035His (NM_001370132.1); c.3076G>C, p.Asp1026His (NM_001370143.1, NM_001370144.1); c.2452G>C, p.Asp818His (NM_001370133.1); c.2056G>C, p.Asp686His (NM_001370134.1); c.1798G>C, p.Asp600His (NM_001370135.1); c.4141G>C, p.Asp1381His (NM_001370136.1, NM_001370137.1); short protein forms D1026H, D1035H, D1089H, D1198H, D1381H, D600H, D686H, D818H.
Identifiers: ClinVar variation 1274736 (VCV001274736.8), dbSNP rs376231865, ClinGen allele CA5564976.